The following is an entry in ClinVar:

NM_016203.4(PRKAG2):c.224G>A (p.Gly75Glu)

Gene: PRKAG2 (protein kinase AMP-activated non-catalytic subunit gamma 2; minus strand). Cytogenetic location: 7q36.1.
Variant type: single nucleotide variant.
Coding change: c.224G>A on transcript NM_016203.4 (MANE Select); coding-DNA position 224, G replaced by A.
Protein change: p.Gly75Glu; replaces glycine 75 with glutamic acid.
Molecular consequence: missense variant.
Genome position (GRCh38, 1-based): chr7:151,781,394, C>T on the plus strand (G>A on the coding strand, the complement: PRKAG2 is on the minus strand). VCF-style: chr7-151781394-C-T. GRCh37 (hg19) VCF-style: chr7-151478480-C-T.
Other names: c.92G>A, p.Gly31Glu (NM_001040633.2); c.224G>A (NM_016203.3); short protein forms G75E, G31E.
Identifiers: ClinVar variation 1404387 (VCV001404387.10), dbSNP rs199963585, ClinGen allele CA370069875.

ClinVar aggregate classification (germline): Uncertain significance. Review status: criteria provided, multiple submitters, no conflicts (2 of 4 stars). 3 submissions from 3 submitters: Uncertain significance (3). Last evaluated 2023-11-02.

Conditions:
Lethal congenital glycogen storage disease of heart. Also called: PHOSPHORYLASE KINASE DEFICIENCY OF HEART; GLYCOGEN STORAGE DISEASE OF HEART. Identifiers: Orphanet 439854, MedGen C1849813, MONDO:0009867, OMIM 261740.

gnomAD v4.1: 1 of 1,612,008 alleles (0.000062%); highest among the groups gnomAD compares: East Asian, 0.0022%; no homozygotes.

Submissions (3):

Labcorp Genetics (formerly Invitae), Labcorp
Classification: Uncertain significance for Lethal congenital glycogen storage disease of heart. Last evaluated: 2023-11-02. Review status: criteria provided, single submitter. Criteria: Invitae Variant Classification Sherloc (09022015). Collection method: clinical testing. Allele origin: germline.
Comment: This sequence change replaces glycine, which is neutral and non-polar, with glutamic acid, which is acidic and polar, at codon 75 of the PRKAG2 protein (p.Gly75Glu). This variant is present in population databases (no rsID available, gnomAD 0.006%). This variant has not been reported in the literature in individuals affected with PRKAG2-related conditions. ClinVar contains an entry for this variant (Variation ID: 1404387). Advanced modeling of protein sequence and biophysical properties (such as structural, functional, and spatial information, amino acid conservation, physicochemical variation, residue mobility, and thermodynamic stability) performed at Invitae indicates that this missense variant is not expected to disrupt PRKAG2 protein function with a negative predictive value of 95%. In summary, the available evidence is currently insufficient to determine the role of this variant in disease. Therefore, it has been classified as a Variant of Uncertain Significance.

GeneDx
Classification: Uncertain significance. Last evaluated: 2023-10-26. Review status: criteria provided, single submitter. Criteria: GeneDx Variant Classification Process June 2021. Collection method: clinical testing. Allele origin: germline. Affected: yes.
Comment: Not observed at significant frequency in large population cohorts (gnomAD); In silico analysis supports that this missense variant does not alter protein structure/function; Has not been previously published as pathogenic or benign to our knowledge

Breakthrough Genomics
Classification: Uncertain significance. Review status: criteria provided, single submitter. Criteria: ACMG Guidelines, 2015. Collection method: not provided. Allele origin: germline. Inheritance: Autosomal recessive inheritance. Affected: yes.